The following is an entry in ClinVar:

NM_001042492.3(NF1):c.2251+9G>T

Gene: NF1 (neurofibromin 1; plus strand). Cytogenetic location: 17q11.2.
Variant type: single nucleotide variant.
Coding change: c.2251+9G>T on transcript NM_001042492.3 (MANE Select); 9 bases into the intron after coding-DNA position 2251, G replaced by T.
Molecular consequence: intron variant.
Genome position (GRCh38, 1-based): chr17:31,226,693, G>T. VCF-style: chr17-31226693-G-T. GRCh37 (hg19) VCF-style: chr17-29553711-G-T.
Other names: c.2251+9G>T (NM_000267.4).
Identifiers: ClinVar variation 457574 (VCV000457574.11), dbSNP rs772014402, ClinGen allele CA8485924.

ClinVar aggregate classification (germline): Likely benign. Review status: criteria provided, multiple submitters, no conflicts (2 of 4 stars). 2 submissions from 2 submitters: Likely benign (2). Last evaluated 2026-09-22.

Conditions:
Neurofibromatosis, type 1 (NF1). Also called: VON RECKLINGHAUSEN DISEASE; NEUROFIBROMATOSIS, TYPE I, SOMATIC; Neurofibromatosis, type I; Peripheral type neurofibromatosis. Identifiers: Orphanet 636, MedGen C0027831, MONDO:0018975, OMIM 162200. Disease mechanism: loss of function.

Allele frequency attached by ClinVar (database versions not stated): gnomAD exomes below 0.00001; TOPMed 0.00001; ExAC 0.00001; gnomAD 0.00001.
gnomAD v4.1: 4 of 1,613,418 alleles (0.00025%); highest among the groups gnomAD compares: South Asian, 0.0011%; no homozygotes.

Submissions (2):

Myriad Genetics, Inc.
Classification: Likely benign for Neurofibromatosis, type 1. Last evaluated: 2026-09-22. Review status: criteria provided, single submitter. Criteria: Myriad Autosomal Dominant, Autosomal Recessive and X-Linked Classification Criteria (2023). Collection method: clinical testing. Allele origin: unknown.
Comment: This variant is considered likely benign. This variant is intronic and is not expected to impact mRNA splicing.

Labcorp Genetics (formerly Invitae), Labcorp
Classification: Likely benign for Neurofibromatosis, type 1. Last evaluated: 2025-07-27. Review status: criteria provided, single submitter. Criteria: Invitae Variant Classification Sherloc (09022015). Collection method: clinical testing. Allele origin: germline.